The following is an entry in ClinVar:

ClinVar aggregate classification (germline): Uncertain significance (1 of 4 stars; one submission).

gnomAD v4.1: 2 of 1,614,044 alleles (0.00012%); highest among the groups gnomAD compares: South Asian, 0.0022%; no homozygotes.

Submission:

GeneDx
Classification: Uncertain significance. Last evaluated: 2024-12-30. Review status: criteria provided, single submitter. Criteria: GeneDx Variant Classification Process June 2021. Collection method: clinical testing. Allele origin: germline. Affected: yes.
Comment: Not observed at significant frequency in large population cohorts (gnomAD); In silico analysis indicates that this missense variant does not alter protein structure/function; Has not been previously published as pathogenic or benign to our knowledge

NM_001042432.2(CLN3):c.85G>A (p.Asp29Asn)

Gene: CLN3 (CLN3 lysosomal/endosomal transmembrane protein, battenin; minus strand). Cytogenetic location: 16p12.1.
Variant type: single nucleotide variant.
Coding change: c.85G>A on transcript NM_001042432.2 (MANE Select); coding-DNA position 85, G replaced by A.
Protein change: p.Asp29Asn; replaces aspartic acid 29 with asparagine.
Molecular consequence: missense variant. On other transcripts: intron variant (3).
Genome position (GRCh38, 1-based): chr16:28,491,522, C>T on the plus strand (G>A on the coding strand, the complement: CLN3 is on the minus strand). VCF-style: chr16-28491522-C-T. GRCh37 (hg19) VCF-style: chr16-28502843-C-T.
Other names: c.85G>A, p.Asp29Asn (NM_000086.2, NM_001286104.2); c.-38+192G>A (NM_001286109.2, NM_001286110.2); c.-96+192G>A (NM_001286105.2); short protein forms D29N.
Identifiers: ClinVar variation 3907923 (VCV003907923.1).